The following is an entry in ClinVar:

NM_001203.3(BMPR1B):c.1102C>T (p.Pro368Ser)

Gene: BMPR1B (bone morphogenetic protein receptor type 1B; plus strand). Cytogenetic location: 4q22.3.
Variant type: single nucleotide variant.
Coding change: c.1102C>T on transcript NM_001203.3 (MANE Select); coding-DNA position 1102, C replaced by T.
Protein change: p.Pro368Ser; replaces proline 368 with serine.
Molecular consequence: missense variant.
Genome position (GRCh38, 1-based): chr4:95,148,773, C>T. VCF-style: chr4-95148773-C-T. GRCh37 (hg19) VCF-style: chr4-96069924-C-T.
Other names: c.1102C>T, p.Pro368Ser (NM_001256792.2, NM_001256794.1); c.1192C>T, p.Pro398Ser (NM_001256793.2); short protein forms P368S, P398S.
Identifiers: ClinVar variation 350123 (VCV000350123.15), dbSNP rs577188671, ClinGen allele CA3015178.

ClinVar aggregate classification (germline): Conflicting classifications of pathogenicity. Review status: criteria provided, conflicting classifications (1 of 4 stars). 3 submissions from 3 submitters: Uncertain significance (1); Benign (2). Last evaluated 2024-12-23.

Conditions:
Brachydactyly. Also called: Brachydactyly syndrome; Brachydactyly (disease). Identifiers: MedGen C0221357, MONDO:0021004, HP:0001156.
Acromesomelic dysplasia 3 (AMD3). Also called: CHONDRODYSPLASIA, ACROMESOMELIC, WITH OR WITHOUT GENITAL ANOMALIES; Acromesomelic dysplasia, Demirhan type. Identifiers: MedGen C4225404, MONDO:0012274, OMIM 609441.
Type A2 brachydactyly (BDA2). Also called: MOHR-WRIEDT TYPE BRACHYDACTYLY; BRACHYMESOPHALANGY II; Brachymesophalangy type 2. Identifiers: Orphanet 93396, MedGen C1832702, MONDO:0007216, OMIM 112600, HP:0009372.

Allele frequency attached by ClinVar (database versions not stated): gnomAD 0.00001 and 0.00008; TOPMed 0.00002; gnomAD exomes 0.00009 and 0.00019; ExAC 0.00018; 1000 Genomes Project 30x 0.00078; 1000 Genomes Project 0.00080.

Submissions (3):

Labcorp Genetics (formerly Invitae), Labcorp
Classification: Benign for Type A2 brachydactyly; Acromesomelic dysplasia 3. Last evaluated: 2024-12-23. Review status: criteria provided, single submitter. Criteria: Invitae Variant Classification Sherloc (09022015). Collection method: clinical testing. Allele origin: germline.

Blueprint Genetics
Classification: Uncertain significance. Last evaluated: 2024-07-17. Review status: criteria provided, single submitter. Criteria: ACMG Guidelines, 2015. Collection method: clinical testing. Allele origin: germline.

Illumina Laboratory Services, Illumina
Classification: Benign for Brachydactyly. Last evaluated: 2018-01-12. Review status: criteria provided, single submitter. Criteria: ICSL Variant Classification Criteria 13 December 2019. Collection method: clinical testing. Allele origin: germline.
Comment: This variant was observed in the ICSL laboratory as part of a predisposition screen in an ostensibly healthy population. It had not been previously curated by ICSL or reported in the Human Gene Mutation Database (HGMD: prior to June 1st, 2018), and was therefore a candidate for classification through an automated scoring system. Utilizing variant allele frequency, disease prevalence and penetrance estimates, and inheritance mode, an automated score was calculated to assess if this variant is too frequent to cause the disease. Based on the score and internal cut-off values, a variant classified as benign is not then subjected to further curation. The score for this variant resulted in a classification of benign for this disease.